The following is an entry in ClinVar:

NM_020631.6(PLEKHG5):c.2582G>A (p.Arg861His)

Gene: PLEKHG5 (pleckstrin homology and RhoGEF domain containing G5; minus strand). Cytogenetic location: 1p36.31.
Variant type: single nucleotide variant.
Coding change: c.2582G>A on transcript NM_020631.6 (MANE Select); coding-DNA position 2582, G replaced by A.
Protein change: p.Arg861His; replaces arginine 861 with histidine.
Molecular consequence: missense variant.
Genome position (GRCh38, 1-based): chr1:6,468,254, C>T on the plus strand (G>A on the coding strand, the complement: PLEKHG5 is on the minus strand). VCF-style: chr1-6468254-C-T. GRCh37 (hg19) VCF-style: chr1-6528314-C-T.
Other names: c.2693G>A, p.Arg898His (NM_001042663.3, NM_001265592.2); c.2582G>A, p.Arg861His (NM_001042664.2, NM_001042665.2, NM_001265594.3 and 1 more transcripts); c.2789G>A, p.Arg930His (NM_001265593.2); short protein forms R861H, R930H, R898H.
Identifiers: ClinVar variation 297939 (VCV000297939.9), dbSNP rs565558161, ClinGen allele CA561125.

ClinVar aggregate classification (germline): Uncertain significance. Review status: criteria provided, multiple submitters, no conflicts (2 of 4 stars). 2 submissions from 2 submitters: Uncertain significance (2). Last evaluated 2022-08-16.

Conditions:
Charcot-Marie-Tooth disease recessive intermediate C. Also called: CHARCOT-MARIE-TOOTH NEUROPATHY, RECESSIVE INTERMEDIATE C. Identifiers: Orphanet 369867, MedGen C3809309, MONDO:0014154, OMIM 615376.
Neuronopathy, distal hereditary motor, autosomal recessive 4. Also called: Autosomal recessive lower motor neuron disease with childhood onset; NEUROPATHY, DISTAL HEREDITARY MOTOR, AUTOSOMAL RECESSIVE 4. Identifiers: Orphanet 206580, MedGen C1970211, MONDO:0012608, OMIM 611067.

Allele frequency attached by ClinVar (database versions not stated): gnomAD 0.00002; gnomAD exomes 0.00003 and 0.00008; TOPMed 0.00003; ExAC 0.00006; 1000 Genomes Project 0.00020; 1000 Genomes Project 30x 0.00031.
gnomAD v4.1: 50 of 1,601,206 alleles (0.0031%); highest among the groups gnomAD compares: East Asian, 0.038%; no homozygotes.

Submissions (2):

Labcorp Genetics (formerly Invitae), Labcorp
Classification: Uncertain significance for Neuronopathy, distal hereditary motor, autosomal recessive 4; Charcot-Marie-Tooth disease recessive intermediate C. Last evaluated: 2022-08-16. Review status: criteria provided, single submitter. Criteria: Invitae Variant Classification Sherloc (09022015). Collection method: clinical testing. Allele origin: germline.
Comment: This sequence change replaces arginine, which is basic and polar, with histidine, which is basic and polar, at codon 861 of the PLEKHG5 protein (p.Arg861His). The frequency data for this variant in the population databases is considered unreliable, as metrics indicate poor data quality at this position in the gnomAD database. This variant has not been reported in the literature in individuals affected with PLEKHG5-related conditions. ClinVar contains an entry for this variant (Variation ID: 297939). Algorithms developed to predict the effect of missense changes on protein structure and function output the following: SIFT: "Tolerated"; PolyPhen-2: "Benign"; Align-GVGD: "Class C0". The histidine amino acid residue is found in multiple mammalian species, which suggests that this missense change does not adversely affect protein function. In summary, the available evidence is currently insufficient to determine the role of this variant in disease. Therefore, it has been classified as a Variant of Uncertain Significance.

Illumina Laboratory Services, Illumina
Classification: Uncertain significance for Neuronopathy, distal hereditary motor, autosomal recessive 4. Last evaluated: 2018-01-12. Review status: criteria provided, single submitter. Criteria: ICSL Variant Classification Criteria 13 December 2019. Collection method: clinical testing. Allele origin: germline.